The following is an entry in ClinVar:

ClinVar aggregate classification (germline): Uncertain significance (1 of 4 stars; one submission).

Conditions:
Nemaline myopathy 10 (NEM10). Identifiers: MedGen C4015360, MONDO:0014513, OMIM 616165.

Allele frequency attached by ClinVar (database versions not stated): ExAC 0.00001; gnomAD exomes 0.00001.

Submission:

Labcorp Genetics (formerly Invitae), Labcorp
Classification: Uncertain significance for Nemaline myopathy 10. Last evaluated: 2022-01-18. Review status: criteria provided, single submitter. Criteria: Invitae Variant Classification Sherloc (09022015). Collection method: clinical testing. Allele origin: germline.
Comment: This sequence change replaces aspartic acid, which is acidic and polar, with asparagine, which is neutral and polar, at codon 440 of the LMOD3 protein (p.Asp440Asn). In summary, the available evidence is currently insufficient to determine the role of this variant in disease. Therefore, it has been classified as a Variant of Uncertain Significance. Algorithms developed to predict the effect of missense changes on protein structure and function output the following: SIFT: "Tolerated"; PolyPhen-2: "Benign"; Align-GVGD: "Class C0". The asparagine amino acid residue is found in multiple mammalian species, which suggests that this missense change does not adversely affect protein function. This variant has not been reported in the literature in individuals affected with LMOD3-related conditions. This variant is present in population databases (rs763245526, gnomAD 0.0009%).

NM_198271.5(LMOD3):c.1318G>A (p.Asp440Asn)

Gene: LMOD3 (leiomodin 3; minus strand). Cytogenetic location: 3p14.1.
Variant type: single nucleotide variant.
Coding change: c.1318G>A on transcript NM_198271.5 (MANE Select); coding-DNA position 1318, G replaced by A.
Protein change: p.Asp440Asn; replaces aspartic acid 440 with asparagine.
Molecular consequence: missense variant.
Genome position (GRCh38, 1-based): chr3:69,119,037, C>T on the plus strand (G>A on the coding strand, the complement: LMOD3 is on the minus strand). VCF-style: chr3-69119037-C-T. GRCh37 (hg19) VCF-style: chr3-69168188-C-T.
Other names: c.1318G>A, p.Asp440Asn (NM_001304418.3); short protein forms D440N.
Identifiers: ClinVar variation 2082808 (VCV002082808.4), dbSNP rs763245526, ClinGen allele CA2488819.